The following is an entry in ClinVar:

ClinVar aggregate classification (germline): Pathogenic (1 of 4 stars; one submission).

Conditions:
Primary ciliary dyskinesia 3. Identifiers: Orphanet 244, MedGen C1837618, MONDO:0012085, OMIM 608644.

Submission:

Myriad Genetics, Inc.
Classification: Pathogenic for Primary ciliary dyskinesia 3. Last evaluated: 2024-05-14. Review status: criteria provided, single submitter. Criteria: Myriad Autosomal Dominant, Autosomal Recessive and X-Linked Classification Criteria (2023). Collection method: clinical testing. Allele origin: unknown.
Comment: NM_001369.2(DNAH5):c.5881_5882ins8(R1961Nfs*15) is expected to be pathogenic in the context of primary ciliary dyskinesia, DNAH5-related. This variant is predicted to lead to an abnormal or absent protein product due to the creation of a premature termination codon in DNAH5, a gene where loss-of-function variants are known to be pathogenic. Please note: this variant was assessed in the context of healthy population screening.

NM_001369.3(DNAH5):c.5881_5882insATAAAAAT (p.Arg1961fs)

Gene: DNAH5 (dynein axonemal heavy chain 5; minus strand). Cytogenetic location: 5p15.2.
Variant type: Insertion.
Coding change: c.5881_5882insATAAAAAT on transcript NM_001369.3 (MANE Select); coding-DNA positions 5881 to 5882, ATAAAAAT inserted.
Protein change: p.Arg1961fs; shifts the reading frame from arginine 1961.
Molecular consequence: frameshift variant.
Genome position: GRCh38 VCF-style: chr5-13839356-C-CATTTTTAT. GRCh37 (hg19) VCF-style: chr5-13839465-C-CATTTTTAT.
Other names: short protein forms R1961fs.
Identifiers: ClinVar variation 5010634 (VCV005010634.1).